The following is an entry in ClinVar:

ClinVar aggregate classification (germline): Uncertain significance. Review status: criteria provided, multiple submitters, no conflicts (2 of 4 stars). 3 submissions from 3 submitters: Uncertain significance (3). Last evaluated 2025-01-16.

Allele frequency attached by ClinVar (database versions not stated): ExAC 0.00001; gnomAD 0.00001; gnomAD exomes 0.00001; TOPMed 0.00007.

Submissions (3):

Ambry Genetics
Classification: Uncertain significance. Last evaluated: 2025-01-16. Review status: criteria provided, single submitter. Criteria: Ambry Variant Classification Scheme 2023. Collection method: clinical testing. Allele origin: germline.

Labcorp Genetics (formerly Invitae), Labcorp
Classification: Uncertain significance. Last evaluated: 2022-09-01. Review status: criteria provided, single submitter. Criteria: Invitae Variant Classification Sherloc (09022015). Collection method: clinical testing. Allele origin: germline.
Comment: In summary, the available evidence is currently insufficient to determine the role of this variant in disease. Therefore, it has been classified as a Variant of Uncertain Significance. Algorithms developed to predict the effect of missense changes on protein structure and function are either unavailable or do not agree on the potential impact of this missense change (SIFT: "Deleterious"; PolyPhen-2: "Benign"; Align-GVGD: "Class C0"). ClinVar contains an entry for this variant (Variation ID: 961667). This variant has not been reported in the literature in individuals affected with RCBTB1-related conditions. This variant is present in population databases (rs746731185, gnomAD 0.006%). This sequence change replaces lysine, which is basic and polar, with threonine, which is neutral and polar, at codon 408 of the RCBTB1 protein (p.Lys408Thr).

Blueprint Genetics
Classification: Uncertain significance. Last evaluated: 2021-09-20. Review status: criteria provided, single submitter. Criteria: ACMG Guidelines, 2015. Collection method: clinical testing. Allele origin: germline.

NM_018191.4(RCBTB1):c.1223A>C (p.Lys408Thr)

Gene: RCBTB1 (RCC1 and BTB domain containing protein 1; minus strand). Cytogenetic location: 13q14.2.
Variant type: single nucleotide variant.
Coding change: c.1223A>C on transcript NM_018191.4 (MANE Select); coding-DNA position 1223, A replaced by C.
Protein change: p.Lys408Thr; replaces lysine 408 with threonine.
Molecular consequence: missense variant. On other transcripts: non-coding transcript variant (2).
Genome position (GRCh38, 1-based): chr13:49,541,777, T>G on the plus strand (A>C on the coding strand, the complement: RCBTB1 is on the minus strand). VCF-style: chr13-49541777-T-G. GRCh37 (hg19) VCF-style: chr13-50115913-T-G.
Other names: c.1223A>C, p.Lys408Thr (NM_001352500.2, NM_001352501.2, NM_001352502.2 and 2 more transcripts); c.644A>C, p.Lys215Thr (NM_001352506.2); short protein forms K215T, K408T.
Identifiers: ClinVar variation 961667 (VCV000961667.8), dbSNP rs746731185, ClinGen allele CA6982632.